The following is an entry in ClinVar:

ClinVar aggregate classification (germline): Likely benign (0 of 4 stars; one submission).

Conditions:
BLTP1-related disorder. Also called: BLTP1-related condition.

Allele frequency attached by ClinVar (database versions not stated): gnomAD exomes 0.00001; ExAC 0.00002; gnomAD 0.00003; TOPMed 0.00003; ESP Exome Variant Server 0.00008; 1000 Genomes Project 30x 0.00031.
gnomAD v4.1: 13 of 1,611,074 alleles (0.00081%); highest among the groups gnomAD compares: East Asian, 0.0045%; no homozygotes.

Submission:

PreventionGenetics, part of Exact Sciences
Classification: Likely benign for BLTP1-related condition. Last evaluated: 2020-11-12. Review status: no assertion criteria provided. Collection method: clinical testing. Allele origin: germline.
Comment: This variant is classified as likely benign based on ACMG/AMP sequence variant interpretation guidelines (Richards et al. 2015 PMID: 25741868, with internal and published modifications).

NM_001384125.1(BLTP1):c.7209A>G (p.Gln2403=)

Gene: BLTP1 (bridge-like lipid transfer protein family member 1; plus strand). Cytogenetic location: 4q27.
Variant type: single nucleotide variant.
Coding change: c.7209A>G on transcript NM_001384125.1 (MANE Select); coding-DNA position 7209, A replaced by G.
Protein change: p.Gln2403=; no amino-acid change (glutamine 2403 retained).
Molecular consequence: synonymous variant.
Genome position (GRCh38, 1-based): chr4:122,264,319, A>G. VCF-style: chr4-122264319-A-G. GRCh37 (hg19) VCF-style: chr4-123185474-A-G.
Other names: c.7209A>G, p.Gln2403= (NM_015312.4).
Identifiers: ClinVar variation 3029999 (VCV003029999.2), dbSNP rs201577968, ClinGen allele CA3066964.